The following is an entry in ClinVar:

NM_001292034.3(TAB2):c.617A>G (p.Asn206Ser)

Gene: TAB2 (TGF-beta activated kinase 1 (MAP3K7) binding protein 2; plus strand). Cytogenetic location: 6q25.1.
Variant type: single nucleotide variant.
Coding change: c.617A>G on transcript NM_001292034.3 (MANE Select); coding-DNA position 617, A replaced by G.
Protein change: p.Asn206Ser; replaces asparagine 206 with serine.
Molecular consequence: missense variant.
Genome position (GRCh38, 1-based): chr6:149,378,532, A>G. VCF-style: chr6-149378532-A-G. GRCh37 (hg19) VCF-style: chr6-149699668-A-G.
Other names: c.521A>G, p.Asn174Ser (NM_001292035.3); c.617A>G, p.Asn206Ser (NM_001369506.1, NM_015093.6); short protein forms N174S, N206S.
Identifiers: ClinVar variation 1420715 (VCV001420715.8), dbSNP rs1406122148, ClinGen allele CA365996250.

ClinVar aggregate classification (germline): Uncertain significance (1 of 4 stars; one submission).

Allele frequency attached by ClinVar (database versions not stated): gnomAD exomes below 0.00001.
gnomAD v4.1: 2 of 1,614,142 alleles (0.00012%); highest among the groups gnomAD compares: Non-Finnish European, 0.00017%; no homozygotes.

Submission:

Labcorp Genetics (formerly Invitae), Labcorp
Classification: Uncertain significance. Last evaluated: 2020-11-05. Review status: criteria provided, single submitter. Criteria: Invitae Variant Classification Sherloc (09022015). Collection method: clinical testing. Allele origin: germline.
Comment: This sequence change replaces asparagine with serine at codon 206 of the TAB2 protein (p.Asn206Ser). The asparagine residue is highly conserved and there is a small physicochemical difference between asparagine and serine. This variant is not present in population databases (ExAC no frequency). This variant has not been reported in the literature in individuals with TAB2-related conditions. Algorithms developed to predict the effect of missense changes on protein structure and function (SIFT, PolyPhen-2, Align-GVGD) all suggest that this variant is likely to be tolerated, but these predictions have not been confirmed by published functional studies and their clinical significance is uncertain. Algorithms developed to predict the effect of sequence changes on RNA splicing suggest that this variant may create or strengthen a splice site, but this prediction has not been confirmed by published transcriptional studies. In summary, the available evidence is currently insufficient to determine the role of this variant in disease. Therefore, it has been classified as a Variant of Uncertain Significance.